The following is an entry in ClinVar:

ClinVar aggregate classification (germline): Uncertain significance (1 of 4 stars; one submission).

Conditions:
Noonan syndrome 9 (NS9). Identifiers: Orphanet 648, MedGen C4225282, MONDO:0014691, OMIM 616559.

Submission:

Labcorp Genetics (formerly Invitae), Labcorp
Classification: Uncertain significance for Noonan syndrome 9. Last evaluated: 2025-03-10. Review status: criteria provided, single submitter. Criteria: Invitae Variant Classification Sherloc (09022015). Collection method: clinical testing. Allele origin: germline.
Comment: This sequence change replaces isoleucine, which is neutral and non-polar, with valine, which is neutral and non-polar, at codon 141 of the SOS2 protein (p.Ile141Val). This variant is not present in population databases (gnomAD no frequency). This variant has not been reported in the literature in individuals affected with SOS2-related conditions. Invitae Evidence Modeling of protein sequence and biophysical properties (such as structural, functional, and spatial information, amino acid conservation, physicochemical variation, residue mobility, and thermodynamic stability) indicates that this missense variant is not expected to disrupt SOS2 protein function with a negative predictive value of 95%. In summary, the available evidence is currently insufficient to determine the role of this variant in disease. Therefore, it has been classified as a Variant of Uncertain Significance.

NM_006939.4(SOS2):c.421A>G (p.Ile141Val)

Gene: SOS2 (SOS Ras/Rho guanine nucleotide exchange factor 2; minus strand). Cytogenetic location: 14q21.3.
Variant type: single nucleotide variant.
Coding change: c.421A>G on transcript NM_006939.4 (MANE Select); coding-DNA position 421, A replaced by G.
Protein change: p.Ile141Val; replaces isoleucine 141 with valine.
Molecular consequence: missense variant.
Genome position (GRCh38, 1-based): chr14:50,199,780, T>C on the plus strand (A>G on the coding strand, the complement: SOS2 is on the minus strand). VCF-style: chr14-50199780-T-C. GRCh37 (hg19) VCF-style: chr14-50666498-T-C.
Other names: c.421A>G, p.Ile141Val (NM_001411020.1); short protein forms I141V.
Identifiers: ClinVar variation 4772130 (VCV004772130.1).